The following is an entry in ClinVar:

NM_000548.5(TSC2):c.5289C>T (p.Pro1763=)

Genes: PKD1 (polycystin 1, transient receptor potential channel interacting; minus strand), TSC2 (TSC complex subunit 2; plus strand). Cytogenetic location: 16p13.3.
Variant type: single nucleotide variant.
Coding change: c.5289C>T on transcript NM_000548.5 (MANE Select); coding-DNA position 5289, C replaced by T.
Protein change: p.Pro1763=; no amino-acid change (proline 1763 retained).
Molecular consequence: synonymous variant.
Genome position (GRCh38, 1-based): chr16:2,088,475, C>T. VCF-style: chr16-2088475-C-T. GRCh37 (hg19) VCF-style: chr16-2138476-C-T.
Other names: c.5088C>T, p.Pro1696= (NM_001077183.3); c.5220C>T, p.Pro1740= (NM_001114382.3); c.4980C>T, p.Pro1660= (NM_001318827.2); c.4944C>T, p.Pro1648= (NM_001318829.2); c.4557C>T, p.Pro1519= (NM_001318831.2); c.5121C>T, p.Pro1707= (NM_001318832.2); c.5091C>T, p.Pro1697= (NM_001363528.2); c.5157C>T, p.Pro1719= (NM_001370404.1); and 3 more.
Identifiers: ClinVar variation 413718 (VCV000413718.25), dbSNP rs144965811, ClinGen allele CA054967.

ClinVar aggregate classification (germline): Benign/Likely benign. Review status: criteria provided, multiple submitters, no conflicts (2 of 4 stars). 11 submissions from 10 submitters: Benign (5); Likely benign (6). Last evaluated 2026-01-31.

Conditions:
Hereditary cancer-predisposing syndrome. Also called: Neoplastic Syndromes, Hereditary; Tumor predisposition; Hereditary Cancer Syndrome; Hereditary neoplastic syndrome. Identifiers: Orphanet 140162, MedGen C0027672, MeSH D009386, MONDO:0015356.
Tuberous sclerosis syndrome (TSC). Also called: Tuberous Sclerosis Complex; Tuberous sclerosis. Identifiers: Orphanet 805, MedGen C0041341, MONDO:0001734.
Polycystic kidney disease, adult type (PKD1). Also called: POLYCYSTIC KIDNEY DISEASE, ADULT, TYPE I; Polycystic Kidney, Autosomal Dominant; POLYCYSTIC KIDNEY DISEASE 1 WITH OR WITHOUT POLYCYSTIC LIVER DISEASE; Polycystic Kidney Disease 1, Autosomal Dominant; Polycystic kidney disease 1; Polycystic kidney disease 1, severe. Identifiers: MedGen C3149841, MONDO:0008263, OMIM 173900.
Tuberous sclerosis 2 (TSC2). Identifiers: Orphanet 805, MedGen C1860707, MONDO:0013199, OMIM 613254.

Allele frequency attached by ClinVar (database versions not stated): gnomAD exomes 0.00001 and 0.00004; ExAC 0.00006; gnomAD 0.00015 and 0.00019; TOPMed 0.00019; ESP Exome Variant Server 0.00031.
gnomAD v4.1: 43 of 1,612,818 alleles (0.0027%); highest among the groups gnomAD compares: African/African-American, 0.053%; 1 homozygote.

Submissions (11):

Labcorp Genetics (formerly Invitae), Labcorp
Classification: Benign for Tuberous sclerosis 2. Last evaluated: 2026-01-31. Review status: criteria provided, single submitter. Criteria: Invitae Variant Classification Sherloc (09022015). Collection method: clinical testing. Allele origin: germline.

Myriad Genetics, Inc.
Classification: Benign for Tuberous sclerosis 2. Last evaluated: 2025-06-06. Review status: criteria provided, single submitter. Criteria: Myriad Autosomal Dominant, Autosomal Recessive and X-Linked Classification Criteria (2023). Collection method: clinical testing. Allele origin: unknown.
Comment: This variant is considered benign. This variant is a silent/synonymous amino acid change and it is not expected to impact splicing.

KCCC/NGS Laboratory, Kuwait Cancer Control Center
Classification: Benign for Polycystic kidney disease, adult type. Last evaluated: 2025-02-01. Review status: criteria provided, single submitter. Criteria: ACMG Guidelines, 2015. Collection method: clinical testing. Allele origin: germline. Affected: no.

Blueprint Genetics
Classification: Likely benign. Last evaluated: 2024-02-19. Review status: criteria provided, single submitter. Criteria: ACMG Guidelines, 2015. Collection method: clinical testing. Allele origin: germline.

All of Us Research Program, National Institutes of Health
Classification: Likely benign for Tuberous sclerosis syndrome. Last evaluated: 2023-12-18. Review status: criteria provided, single submitter. Criteria: ACMG Guidelines, 2015. Collection method: clinical testing. Allele origin: germline. Inheritance: Autosomal dominant inheritance. Observed: 11 variant alleles, 11 heterozygotes.
Comment: This variant is located in the TSC2 protein. To our knowledge, functional studies have not been reported for this variant. This variant has not been reported in individuals affected with TSC2-related disorders in the literature. This variant has been identified in 13/281712 chromosomes in the general population by the Genome Aggregation Database (gnomAD). The available evidence is insufficient to determine the role of this variant in disease conclusively. Therefore, this variant is classified as a Variant of Uncertain Significance.

This study involves interpretation of variants in research participants for the purpose of population health screening. Participant phenotype was not available at the time of variant classification. Additional details can be found in publication PMID: 35346344, PMCID: PMC8962531

Color Diagnostics, LLC DBA Color Health
Classification: Likely benign for Tuberous sclerosis syndrome. Last evaluated: 2023-11-22. Review status: criteria provided, single submitter. Criteria: ACMG Guidelines, 2015. Collection method: clinical testing. Allele origin: germline.

KCCC/NGS Laboratory, Kuwait Cancer Control Center
Classification: Likely benign for Tuberous sclerosis 2. Last evaluated: 2023-07-07. Review status: criteria provided, single submitter. Criteria: ACMG Guidelines, 2015. Collection method: clinical testing. Allele origin: germline. Affected: yes.

Sema4
Classification: Likely benign for Hereditary cancer-predisposing syndrome. Last evaluated: 2022-02-16. Review status: criteria provided, single submitter. Criteria: Sema4 Curation Guidelines. Collection method: curation. Allele origin: germline.

Genome-Nilou Lab
Classification: Benign for Tuberous sclerosis 2. Last evaluated: 2021-11-07. Review status: criteria provided, single submitter. Criteria: ACMG Guidelines, 2015. Collection method: clinical testing. Allele origin: germline. Affected: no.

GeneDx
Classification: Benign. Last evaluated: 2019-07-25. Review status: criteria provided, single submitter. Criteria: GeneDx Variant Classification Process June 2021. Collection method: clinical testing. Allele origin: germline. Affected: yes.

Ambry Genetics
Classification: Likely benign for Hereditary cancer-predisposing syndrome. Last evaluated: 2015-06-24. Review status: criteria provided, single submitter. Criteria: Ambry Variant Classification Scheme 2023. Collection method: clinical testing. Allele origin: germline.